The following is an entry in ClinVar:

NM_032119.4(ADGRV1):c.10595G>A (p.Trp3532Ter)

Gene: ADGRV1 (adhesion G protein-coupled receptor V1; plus strand). Cytogenetic location: 5q14.3.
Variant type: single nucleotide variant.
Coding change: c.10595G>A on transcript NM_032119.4 (MANE Select); coding-DNA position 10595, G replaced by A.
Protein change: p.Trp3532Ter; replaces tryptophan 3532 with a stop codon.
Molecular consequence: nonsense. On other transcripts: non-coding transcript variant (1).
Genome position (GRCh38, 1-based): chr5:90,745,091, G>A. VCF-style: chr5-90745091-G-A. GRCh37 (hg19) VCF-style: chr5-90040908-G-A.
Other names: short protein forms W3532*.
Identifiers: ClinVar variation 2854992 (VCV002854992.3), dbSNP rs2531537816, ClinGen allele CA360407689.

ClinVar aggregate classification (germline): Pathogenic (1 of 4 stars; one submission).

Submission:

Labcorp Genetics (formerly Invitae), Labcorp
Classification: Pathogenic. Last evaluated: 2023-04-11. Review status: criteria provided, single submitter. Criteria: Invitae Variant Classification Sherloc (09022015). Collection method: clinical testing. Allele origin: germline.
Comment: For these reasons, this variant has been classified as Pathogenic. This variant has not been reported in the literature in individuals affected with ADGRV1-related conditions. This variant is not present in population databases (gnomAD no frequency). This sequence change creates a premature translational stop signal (p.Trp3532*) in the ADGRV1 gene. It is expected to result in an absent or disrupted protein product. Loss-of-function variants in ADGRV1 are known to be pathogenic (PMID: 19357117, 22135276, 22147658, 26226137, 30718709, 31047384, 32467589).

Literature cited by the submitters: PubMed 19357117; PubMed 22135276; PubMed 22147658; PubMed 26226137; PubMed 30718709; PubMed 31047384; PubMed 32467589.